The following is an entry in ClinVar:

ClinVar aggregate classification (germline): Uncertain significance (1 of 4 stars; one submission).

Conditions:
Inborn genetic diseases. Identifiers: MedGen C0950123, MeSH D030342.

gnomAD v4.1: 4 of 1,613,792 alleles (0.00025%); highest among the groups gnomAD compares: Non-Finnish European, 0.00034%; no homozygotes.

Submission:

Ambry Genetics
Classification: Uncertain significance for Inborn genetic diseases. Last evaluated: 2025-06-02. Review status: criteria provided, single submitter. Criteria: Ambry Variant Classification Scheme 2023. Collection method: clinical testing. Allele origin: germline.
Comment: The p.D1052G variant (also known as c.3155A>G), located in coding exon 1 of the SAMD9L gene, results from an A to G substitution at nucleotide position 3155. The aspartic acid at codon 1052 is replaced by glycine, an amino acid with similar properties. This amino acid position is conserved. In addition, this alteration is predicted to be tolerated by in silico analysis. Based on the available evidence, the clinical significance of this variant remains unclear.

NM_152703.5(SAMD9L):c.3155A>G (p.Asp1052Gly)

Gene: SAMD9L (sterile alpha motif domain containing 9 like; minus strand). Cytogenetic location: 7q21.2.
Variant type: single nucleotide variant.
Coding change: c.3155A>G on transcript NM_152703.5 (MANE Select); coding-DNA position 3155, A replaced by G.
Protein change: p.Asp1052Gly; replaces aspartic acid 1052 with glycine.
Molecular consequence: missense variant.
Genome position (GRCh38, 1-based): chr7:93,132,817, T>C on the plus strand (A>G on the coding strand, the complement: SAMD9L is on the minus strand). VCF-style: chr7-93132817-T-C. GRCh37 (hg19) VCF-style: chr7-92762130-T-C.
Other names: c.3155A>G, p.Asp1052Gly (NM_001303496.3, NM_001303497.3, NM_001303498.3 and 5 more transcripts); short protein forms D1052G.
Identifiers: ClinVar variation 3949990 (VCV003949990.1).